The following is an entry in ClinVar:

ClinVar aggregate classification (germline): Uncertain significance. Review status: criteria provided, multiple submitters, no conflicts (2 of 4 stars). 2 submissions from 2 submitters: Uncertain significance (2). Last evaluated 2025-05-18.

Conditions:
Cataract 18 (CATC2). Also called: CATARACT 18, AUTOSOMAL RECESSIVE. Identifiers: Orphanet 91492, Orphanet 98991, Orphanet 98992, Orphanet 98995, MedGen C1864908, MONDO:0012395, OMIM 610019.
Inborn genetic diseases. Identifiers: MedGen C0950123, MeSH D030342.

Allele frequency attached by ClinVar (database versions not stated): gnomAD exomes 0.00009 and 0.00004; gnomAD 0.00004 and 0.00003; ExAC 0.00008; TOPMed 0.00005.
gnomAD v4.1: 58 of 1,613,582 alleles (0.0036%); highest among the groups gnomAD compares: Admixed American, 0.018%; no homozygotes.

Submissions (2):

Ambry Genetics
Classification: Uncertain significance for Inborn genetic diseases. Last evaluated: 2025-05-18. Review status: criteria provided, single submitter. Criteria: Ambry Variant Classification Scheme 2023. Collection method: clinical testing. Allele origin: germline.

Labcorp Genetics (formerly Invitae), Labcorp
Classification: Uncertain significance for Cataract 18. Last evaluated: 2021-09-01. Review status: criteria provided, single submitter. Criteria: Invitae Variant Classification Sherloc (09022015). Collection method: clinical testing. Allele origin: germline.
Comment: This sequence change replaces asparagine with aspartic acid at codon 618 of the FYCO1 protein (p.Asn618Asp). The asparagine residue is highly conserved and there is a small physicochemical difference between asparagine and aspartic acid. This variant is present in population databases (rs745338967, ExAC 0.01%). This variant has not been reported in the literature in individuals affected with FYCO1-related conditions. Algorithms developed to predict the effect of missense changes on protein structure and function are either unavailable or do not agree on the potential impact of this missense change (SIFT: "Deleterious"; PolyPhen-2: "Benign"; Align-GVGD: "Class C0"). In summary, the available evidence is currently insufficient to determine the role of this variant in disease. Therefore, it has been classified as a Variant of Uncertain Significance.

NM_024513.4(FYCO1):c.1852A>G (p.Asn618Asp)

Gene: FYCO1 (FYVE and coiled-coil domain autophagy adaptor 1; minus strand). Cytogenetic location: 3p21.31.
Variant type: single nucleotide variant.
Coding change: c.1852A>G on transcript NM_024513.4 (MANE Select); coding-DNA position 1852, A replaced by G.
Protein change: p.Asn618Asp; replaces asparagine 618 with aspartic acid.
Molecular consequence: missense variant.
Genome position (GRCh38, 1-based): chr3:45,967,482, T>C on the plus strand (A>G on the coding strand, the complement: FYCO1 is on the minus strand). VCF-style: chr3-45967482-T-C. GRCh37 (hg19) VCF-style: chr3-46008974-T-C.
Other names: c.1852A>G (NM_024513.2); short protein forms N618D.
Identifiers: ClinVar variation 536345 (VCV000536345.6), dbSNP rs745338967, ClinGen allele CA2353172.